The following is an entry in ClinVar:

NM_018993.4(RIN2):c.880A>G (p.Arg294Gly)

Gene: RIN2 (Ras and Rab interactor 2; plus strand). Cytogenetic location: 20p11.23.
Variant type: single nucleotide variant.
Coding change: c.880A>G on transcript NM_018993.4 (MANE Select); coding-DNA position 880, A replaced by G.
Protein change: p.Arg294Gly; replaces arginine 294 with glycine.
Molecular consequence: missense variant.
Genome position (GRCh38, 1-based): chr20:19,974,905, A>G. VCF-style: chr20-19974905-A-G. GRCh37 (hg19) VCF-style: chr20-19955549-A-G.
Other names: c.1027A>G, p.Arg343Gly (NM_001242581.2); c.262A>G, p.Arg88Gly (NM_001378238.1); short protein forms R294G, R343G, R88G.
Identifiers: ClinVar variation 3602197 (VCV003602197.1).
Genomic context (GRCh38, chr20:19,974,905, plus strand): 5'-CCCCTTTTCTTGAAAGTGCACAGCCAGGACCTCAGTGGAGGCCTGAAACGGCCGAGCACA[A>G]GGACTCCCAACGCGAATGGCACGGAGCGGACTCGGTCCCCCCCACCCAGGCCCCCGCCAC-3'
Protein context (NP_061866.1, residues 284-304): LSGGLKRPST[Arg294Gly]TPNANGTERT

ClinVar aggregate classification (germline): Uncertain significance (1 of 4 stars; one submission).

gnomAD v4.1: 88 of 1,613,788 alleles (0.0055%); highest among the groups gnomAD compares: East Asian, 0.2%; no homozygotes.

Submission:

GeneDx
Classification: Uncertain significance. Last evaluated: 2024-07-31. Review status: criteria provided, single submitter. Criteria: GeneDx Variant Classification Process June 2021. Collection method: clinical testing. Allele origin: germline. Affected: yes.
Comment: In silico analysis indicates that this missense variant does not alter protein structure/function; Has not been previously published as pathogenic or benign to our knowledge